The following is an entry in ClinVar:

NM_014712.3(SETD1A):c.4227G>C (p.Pro1409=)

Gene: SETD1A (SET domain containing 1A, histone lysine methyltransferase; plus strand). Cytogenetic location: 16p11.2.
Variant type: single nucleotide variant.
Coding change: c.4227G>C on transcript NM_014712.3 (MANE Select); coding-DNA position 4227, G replaced by C.
Protein change: p.Pro1409=; no amino-acid change (proline 1409 retained).
Molecular consequence: synonymous variant.
Genome position (GRCh38, 1-based): chr16:30,980,013, G>C. VCF-style: chr16-30980013-G-C. GRCh37 (hg19) VCF-style: chr16-30991334-G-C.
Identifiers: ClinVar variation 3033650 (VCV003033650.3), dbSNP rs776619800, ClinGen allele CA494919348.
Genomic context (GRCh38, chr16:30,980,013, plus strand): 5'-CCGGAGGCGCAGCCTCCGCTCCCACGCCCGGCGCCGCCGCCCTCCGCCCCCACCCCCGCC[G>C]CCACCGCCCCGCGCCTACGAGCCACGCAGTGAGTTTGAACAGATGACCATCCTGTATGAC-3'
Protein context (NP_055527.1, residues 1399-1419): RRRRPPPPPP[Pro1409=]PPPRAYEPRS

ClinVar aggregate classification (germline): Likely benign. Review status: criteria provided, single submitter (1 of 4 stars). 2 submissions from 2 submitters: Likely benign (1). 1 of the submissions does not count toward it. Last evaluated 2024-11-27.

Conditions:
SETD1A-related disorder. Also called: SETD1A-related condition.

Submissions (2):

Blueprint Genetics
Classification: Likely benign. Last evaluated: 2024-11-27. Review status: criteria provided, single submitter. Criteria: ACMG Guidelines, 2015. Collection method: clinical testing. Allele origin: germline.

PreventionGenetics, part of Exact Sciences
Classification: Likely benign for SETD1A-related condition. Last evaluated: 2019-10-28. Review status: no assertion criteria provided. Collection method: clinical testing. Allele origin: germline. Not counted in ClinVar's aggregate classification.
Comment: This variant is classified as likely benign based on ACMG/AMP sequence variant interpretation guidelines (Richards et al. 2015 PMID: 25741868, with internal and published modifications).